The following is an entry in ClinVar:

ClinVar aggregate classification (germline): Benign (0 of 4 stars; one submission).

Conditions:
CUL9-related disorder. Also called: CUL9-related condition.

Allele frequency attached by ClinVar (database versions not stated): TOPMed 0.00008; gnomAD 0.00038; gnomAD exomes 0.00067; ExAC 0.00161; 1000 Genomes Project 30x 0.00344; 1000 Genomes Project 0.00359.
gnomAD v4.1: 1,028 of 1,613,640 alleles (0.064%); highest among the groups gnomAD compares: South Asian, 1.1%; 20 homozygotes.

Submission:

PreventionGenetics, part of Exact Sciences
Classification: Benign for CUL9-related condition. Last evaluated: 2019-05-13. Review status: no assertion criteria provided. Collection method: clinical testing. Allele origin: germline.
Comment: This variant is classified as benign based on ACMG/AMP sequence variant interpretation guidelines (Richards et al. 2015 PMID: 25741868, with internal and published modifications).

NM_015089.4(CUL9):c.6972C>G (p.Pro2324=)

Gene: CUL9 (cullin 9; plus strand). Cytogenetic location: 6p21.1.
Variant type: single nucleotide variant.
Coding change: c.6972C>G on transcript NM_015089.4 (MANE Select); coding-DNA position 6972, C replaced by G.
Protein change: p.Pro2324=; no amino-acid change (proline 2324 retained).
Molecular consequence: synonymous variant.
Genome position (GRCh38, 1-based): chr6:43,222,581, C>G. VCF-style: chr6-43222581-C-G. GRCh37 (hg19) VCF-style: chr6-43190319-C-G.
Identifiers: ClinVar variation 3041405 (VCV003041405.2), dbSNP rs573445870, ClinGen allele CA3818842.